The following is an entry in ClinVar:

NM_000535.7(PMS2):c.1085T>C (p.Met362Thr)

Gene: PMS2 (PMS1 homolog 2, mismatch repair system component; minus strand). Cytogenetic location: 7p22.1.
Variant type: single nucleotide variant.
Coding change: c.1085T>C on transcript NM_000535.7 (MANE Select); coding-DNA position 1085, T replaced by C.
Protein change: p.Met362Thr; replaces methionine 362 with threonine.
Molecular consequence: missense variant. On other transcripts: non-coding transcript variant (1), intron variant (2).
Genome position (GRCh38, 1-based): chr7:5,989,859, A>G on the plus strand (T>C on the coding strand, the complement: PMS2 is on the minus strand). VCF-style: chr7-5989859-A-G. GRCh37 (hg19) VCF-style: chr7-6029490-A-G.
Other names: c.680T>C, p.Met227Thr (NM_001018040.1, NM_001322003.2, NM_001322004.2 and 17 more transcripts); c.767T>C, p.Met256Thr (NM_001322007.2, NM_001322008.2, NM_001406876.1 and 2 more transcripts); c.152T>C, p.Met51Thr (NM_001322011.2, NM_001322012.2); c.512T>C, p.Met171Thr (NM_001322013.2, NM_001406909.1); c.1085T>C, p.Met362Thr (NM_001322014.2, NM_001406871.1, NM_001406872.1); c.776T>C, p.Met259Thr (NM_001322015.2, NM_001406875.1, NM_001406877.1 and 5 more transcripts); c.1271T>C, p.Met424Thr (NM_001406866.1); c.1109T>C, p.Met370Thr (NM_001406868.1); and 9 more; short protein forms M250T, M105T, M191T, M227T, M240T, M296T, M362T, M51T.
Identifiers: ClinVar variation 1924952 (VCV001924952.5), dbSNP rs2128747721, ClinGen allele CA366742844.

ClinVar aggregate classification (germline): Uncertain significance (1 of 4 stars; one submission).

Conditions:
Hereditary nonpolyposis colorectal neoplasms. Identifiers: MedGen C0009405, MeSH D003123.

Submission:

Labcorp Genetics (formerly Invitae), Labcorp
Classification: Uncertain significance for Hereditary nonpolyposis colorectal neoplasms. Last evaluated: 2023-12-22. Review status: criteria provided, single submitter. Criteria: Invitae Variant Classification Sherloc (09022015). Collection method: clinical testing. Allele origin: germline.
Comment: This sequence change replaces methionine, which is neutral and non-polar, with threonine, which is neutral and polar, at codon 362 of the PMS2 protein (p.Met362Thr). This variant is not present in population databases (gnomAD no frequency). This variant has not been reported in the literature in individuals affected with PMS2-related conditions. ClinVar contains an entry for this variant (Variation ID: 1924952). Advanced modeling of protein sequence and biophysical properties (such as structural, functional, and spatial information, amino acid conservation, physicochemical variation, residue mobility, and thermodynamic stability) performed at Invitae indicates that this missense variant is expected to disrupt PMS2 protein function with a positive predictive value of 80%. In summary, the available evidence is currently insufficient to determine the role of this variant in disease. Therefore, it has been classified as a Variant of Uncertain Significance.